The following is an entry in ClinVar:

NM_000257.4(MYH7):c.5157+4A>G

Genes: MHRT (myosin heavy chain associated RNA transcript; plus strand), MYH7 (myosin heavy chain 7; minus strand), LOC126861897 (BRD4-independent group 4 enhancer GRCh37_chr14:23884455-23885654; plus strand). Cytogenetic location: 14q11.2.
Variant type: single nucleotide variant.
Coding change: c.5157+4A>G on transcript NM_000257.4 (MANE Select); 4 bases into the intron after coding-DNA position 5157, A replaced by G.
Molecular consequence: intron variant. On other transcripts: non-coding transcript variant (1).
Genome position (GRCh38, 1-based): chr14:23,415,625, T>C on the plus strand (A>G on the coding strand, the complement: MYH7 is on the minus strand). VCF-style: chr14-23415625-T-C. GRCh37 (hg19) VCF-style: chr14-23884834-T-C.
Identifiers: ClinVar variation 2137554 (VCV002137554.4), dbSNP rs2502242117, ClinGen allele CA485766153.

ClinVar aggregate classification (germline): Uncertain significance (1 of 4 stars; one submission).

Conditions:
Hypertrophic cardiomyopathy. Also called: HYPERTROPHIC MYOCARDIOPATHY. Identifiers: Orphanet 217569, MedGen C0007194, MeSH D002312, MONDO:0005045, HP:0001639.

Submission:

Labcorp Genetics (formerly Invitae), Labcorp
Classification: Uncertain significance for Hypertrophic cardiomyopathy. Last evaluated: 2022-03-04. Review status: criteria provided, single submitter. Criteria: Invitae Variant Classification Sherloc (09022015). Collection method: clinical testing. Allele origin: germline.
Comment: In summary, the available evidence is currently insufficient to determine the role of this variant in disease. Therefore, it has been classified as a Variant of Uncertain Significance. Variants that disrupt the consensus splice site are a relatively common cause of aberrant splicing (PMID: 17576681, 9536098). Algorithms developed to predict the effect of sequence changes on RNA splicing suggest that this variant may create or strengthen a splice site. This variant has been observed in individual(s) with clinical features of MYH7-related conditions (PMID: 25447171). This variant is not present in population databases (gnomAD no frequency). This sequence change falls in intron 35 of the MYH7 gene. It does not directly change the encoded amino acid sequence of the MYH7 protein. It affects a nucleotide within the consensus splice site.

Literature cited by the submitters: PubMed 17576681; PubMed 9536098; PubMed 25447171.